The following is an entry in ClinVar:

NM_000138.5(FBN1):c.2681C>A (p.Pro894His)

Gene: FBN1 (fibrillin 1; minus strand). Cytogenetic location: 15q21.1.
Variant type: single nucleotide variant.
Coding change: c.2681C>A on transcript NM_000138.5 (MANE Select); coding-DNA position 2681, C replaced by A.
Protein change: p.Pro894His; replaces proline 894 with histidine.
Molecular consequence: missense variant.
Genome position (GRCh38, 1-based): chr15:48,494,251, G>T on the plus strand (C>A on the coding strand, the complement: FBN1 is on the minus strand). VCF-style: chr15-48494251-G-T. GRCh37 (hg19) VCF-style: chr15-48786448-G-T.
Other names: c.2681C>A, p.Pro894His (NM_001406716.1); short protein forms P894H.
Identifiers: ClinVar variation 4758317 (VCV004758317.1).

ClinVar aggregate classification (germline): Uncertain significance (1 of 4 stars; one submission).

Conditions:
Familial thoracic aortic aneurysm and aortic dissection (TAAD). Also called: Thoracic aortic aneurysms and dissections. Identifiers: Orphanet 91387, MedGen C4707243, MONDO:0019625.

Submission:

Color Diagnostics, LLC DBA Color Health
Classification: Uncertain significance for Familial thoracic aortic aneurysm and aortic dissection. Last evaluated: 2025-05-12. Review status: criteria provided, single submitter. Criteria: ACMG Guidelines, 2015. Collection method: clinical testing. Allele origin: germline.
Comment: This missense variant replaces proline with histidine at codon 894 of the FBN1 protein. Computational prediction is inconclusive regarding the impact of this variant on protein structure and function. To our knowledge, functional studies have not been reported for this variant. This variant has not been reported in individuals affected with FBN1-related disorders in the literature. This variant has not been identified in the general population by the Genome Aggregation Database (gnomAD). The available evidence is insufficient to determine the role of this variant in disease conclusively. Therefore, this variant is classified as a Variant of Uncertain Significance.